The following is an entry in ClinVar:

NM_001267550.2(TTN):c.72835_72838dup (p.Leu24280Ter)

Genes: TTN (titin; minus strand), TTN-AS1 (TTN antisense RNA 1; plus strand). Cytogenetic location: 2q31.2.
Variant type: Duplication.
Coding change: c.72835_72838dup on transcript NM_001267550.2 (MANE Select); coding-DNA positions 72835 to 72838, 4 bases duplicated (GATT; older notation c.72835_72838dupGATT).
Protein change: p.Leu24280Ter; replaces leucine 24280 with a stop codon.
Molecular consequence: nonsense.
Genome position (GRCh38, 1-based): chr2:178,573,294-178,573,297, AATC duplicated on the plus strand (GATT on the coding strand, the reverse complement: TTN is on the minus strand); duplicating any 4 consecutive bases within chr2:178,573,294-178,573,298 gives the same sequence; the c. name uses the placement nearest the transcript's 3' end. VCF-style (leftmost placement, unchanged base first): chr2-178573293-A-AAATC. GRCh37 (hg19) VCF-style: chr2-179438020-A-AAATC.
Other names: c.67912_67915dup, p.Leu22639Ter (NM_001256850.1); c.45640_45643dup, p.Leu15215Ter (NM_003319.4); c.65131_65134dup, p.Leu21712Ter (NM_133378.4); c.46015_46018dup, p.Leu15340Ter (NM_133432.3); c.46216_46219dup, p.Leu15407Ter (NM_133437.4); c.45640_45643dupGATT (NM_003319.4); short protein forms L15407*, L15340*, L21712*, L22639*, L15215*, L24280*.
Identifiers: ClinVar variation 2566413 (VCV002566413.2), dbSNP rs2468577902, ClinGen allele CA2580614464.

ClinVar aggregate classification (germline): Likely pathogenic (1 of 4 stars; one submission).

Conditions:
Cardiovascular phenotype. Identifiers: MedGen CN230736.

Submission:

Ambry Genetics
Classification: Likely pathogenic for Cardiovascular phenotype. Last evaluated: 2023-05-23. Review status: criteria provided, single submitter. Criteria: Ambry Variant Classification Scheme 2023. Collection method: clinical testing. Allele origin: germline.
Comment: The c.45640_45643dupGATT variant, located in coding exon 153 of the TTN gene, results from a duplication of GATT at nucleotide position 45640, causing a translational frameshift with a predicted alternate stop codon (p.L15215*). This exon is located in the A-band region of the N2-B isoform of the titin protein and is constitutively expressed in TTN transcripts (percent spliced in or PSI 100%). This variant is considered to be rare based on population cohorts in the Genome Aggregation Database (gnomAD). This alteration is expected to result in loss of function by premature protein truncation or nonsense-mediated mRNA decay. While truncating variants in TTN are present in 1-3% of the general population, truncating variants in the A-band are the most common cause of dilated cardiomyopathy (DCM) (Herman DS et al. N. Engl. J. Med., 2012 Feb;366:619-28; Roberts AM et al. Sci Transl Med, 2015 Jan;7:270ra6). TTN truncating variants encoded in constitutive exons (PSI >90%) have been found to be significantly associated with DCM regardless of their position in titin (Schafer S et al. Nat. Genet., 2017 01;49:46-53). Based on the majority of available evidence to date, this variant is likely to be pathogenic.